The following is an entry in ClinVar:

ClinVar aggregate classification (germline): Benign/Likely benign. Review status: criteria provided, multiple submitters, no conflicts (2 of 4 stars). 7 submissions from 7 submitters: Benign (2); Likely benign (3). 2 of the submissions do not count toward it. Last evaluated 2026-09-01.

Conditions:
Sideroblastic anemia. Also called: Sideroblastic anaemia. Identifiers: Orphanet 1047, MedGen C0002896, MONDO:0015194, HP:0001924.
Inborn mitochondrial myopathy. Also called: Mitochondrial myopathy; Mitochondrial Myopathies. Identifiers: Orphanet 206966, MedGen C0162670, MONDO:0009637, HP:0003737.
Myopathy, lactic acidosis, and sideroblastic anemia 1 (MLASA1). Identifiers: Orphanet 2598, MedGen C4551958, MONDO:0024553, OMIM 600462.

Allele frequency attached by ClinVar (database versions not stated): 1000 Genomes Project 0.00080; 1000 Genomes Project 30x 0.00094; gnomAD exomes 0.00303; TOPMed 0.00306; ExAC 0.00314; gnomAD 0.00318 and 0.00323; ESP Exome Variant Server 0.00392.
gnomAD v4.1: 7,500 of 1,614,026 alleles (0.46%); highest among the groups gnomAD compares: Non-Finnish European, 0.58%; 28 homozygotes.

Submissions (7):

CeGaT Center for Human Genetics Tuebingen
Classification: Likely benign. Last evaluated: 2026-09-01. Review status: criteria provided, single submitter. Criteria: CeGaT Center For Human Genetics Tuebingen Variant Classification Criteria Version 2. Collection method: clinical testing. Allele origin: germline. Affected: yes. Observed: 23 variant alleles.
Comment: PUS1: BP4, BP7, BS2

Labcorp Genetics (formerly Invitae), Labcorp
Classification: Benign. Last evaluated: 2026-02-01. Review status: criteria provided, single submitter. Criteria: Invitae Variant Classification Sherloc (09022015). Collection method: clinical testing. Allele origin: germline.

Illumina Laboratory Services, Illumina
Classification: Likely benign for Myopathy, lactic acidosis, and sideroblastic anemia 1. Last evaluated: 2017-04-27. Review status: criteria provided, single submitter. Criteria: ICSL Variant Classification Criteria 13 December 2019. Collection method: clinical testing. Allele origin: germline.
Comment: This variant was observed as part of a predisposition screen in an ostensibly healthy population. A literature search was performed for the gene, cDNA change, and amino acid change (where applicable). No publications were found based on this search. Allele frequency data from public databases allowed determination this variant is unlikely to cause disease. Therefore, this variant is classified as likely benign.

GeneDx
Classification: Benign. Last evaluated: 2013-01-16. Review status: criteria provided, single submitter. Criteria: GeneDx Variant Classification (06012015). Collection method: clinical testing. Allele origin: germline. Affected: yes.
Comment: This variant is considered likely benign or benign based on one or more of the following criteria: it is a conservative change, it occurs at a poorly conserved position in the protein, it is predicted to be benign by multiple in silico algorithms, and/or has population frequency not consistent with disease.

Breakthrough Genomics
Classification: Likely benign. Review status: criteria provided, single submitter. Criteria: ACMG Guidelines, 2015. Collection method: not provided. Allele origin: germline. Inheritance: Autosomal recessive inheritance. Affected: yes.

Natera, Inc.
Classification: Benign for Mitochondrial myopathy; sideroblastic anemia. Last evaluated: 2020-09-16. Review status: no assertion criteria provided. Collection method: clinical testing. Allele origin: germline. Not counted in ClinVar's aggregate classification.

Mayo Clinic Laboratories, Mayo Clinic
Classification: Likely benign. Last evaluated: 2017-12-06. Review status: no assertion criteria provided. Collection method: clinical testing. Allele origin: unknown. Not counted in ClinVar's aggregate classification.

NM_025215.6(PUS1):c.999G>C (p.Leu333=)

Gene: PUS1 (pseudouridine synthase 1; plus strand). Cytogenetic location: 12q24.33.
Variant type: single nucleotide variant.
Coding change: c.999G>C on transcript NM_025215.6 (MANE Select); coding-DNA position 999, G replaced by C.
Protein change: p.Leu333=; no amino-acid change (leucine 333 retained).
Molecular consequence: synonymous variant.
Genome position (GRCh38, 1-based): chr12:131,941,746, G>C. VCF-style: chr12-131941746-G-C. GRCh37 (hg19) VCF-style: chr12-132426291-G-C.
Other names: p.L333L:CTG>CTC; c.915G>C, p.Leu305= (NM_001002019.3, NM_001002020.3).
Identifiers: ClinVar variation 138853 (VCV000138853.59), dbSNP rs150359622, ClinGen allele CA292992.